The following is an entry in ClinVar:

ClinVar aggregate classification (germline): Uncertain significance (1 of 4 stars; one submission).

Conditions:
Progressive sclerosing poliodystrophy (MTDPS4A). Also called: ALPERS PROGRESSIVE INFANTILE POLIODYSTROPHY; ALPERS DIFFUSE DEGENERATION OF CEREBRAL GRAY MATTER WITH HEPATIC CIRRHOSIS; Alpers-Huttenlocher Syndrome; Mitochondrial DNA depletion syndrome 4A (Alpers type); Alpers-Huttenlocher Syndrome (AHS); NEURONAL DEGENERATION OF CHILDHOOD WITH LIVER DISEASE, PROGRESSIVE. Identifiers: Orphanet 726, MedGen C0205710, MONDO:0008758, OMIM 203700.

Submission:

Labcorp Genetics (formerly Invitae), Labcorp
Classification: Uncertain significance for Progressive sclerosing poliodystrophy. Last evaluated: 2024-04-29. Review status: criteria provided, single submitter. Criteria: Invitae Variant Classification Sherloc (09022015). Collection method: clinical testing. Allele origin: germline.
Comment: This sequence change replaces methionine, which is neutral and non-polar, with threonine, which is neutral and polar, at codon 427 of the POLG protein (p.Met427Thr). This variant is not present in population databases (gnomAD no frequency). This variant has not been reported in the literature in individuals affected with POLG-related conditions. ClinVar contains an entry for this variant (Variation ID: 648910). Advanced modeling of protein sequence and biophysical properties (such as structural, functional, and spatial information, amino acid conservation, physicochemical variation, residue mobility, and thermodynamic stability) performed at Invitae indicates that this missense variant is expected to disrupt POLG protein function with a positive predictive value of 95%. In summary, the available evidence is currently insufficient to determine the role of this variant in disease. Therefore, it has been classified as a Variant of Uncertain Significance.

NM_002693.3(POLG):c.1280T>C (p.Met427Thr)

Gene: POLG (DNA polymerase gamma, catalytic subunit; minus strand). Cytogenetic location: 15q26.1.
Variant type: single nucleotide variant.
Coding change: c.1280T>C on transcript NM_002693.3 (MANE Select); coding-DNA position 1280, T replaced by C.
Protein change: p.Met427Thr; replaces methionine 427 with threonine.
Molecular consequence: missense variant.
Genome position (GRCh38, 1-based): chr15:89,327,320, A>G on the plus strand (T>C on the coding strand, the complement: POLG is on the minus strand). VCF-style: chr15-89327320-A-G. GRCh37 (hg19) VCF-style: chr15-89870551-A-G.
Other names: c.1280T>C, p.Met427Thr (NM_001126131.2); short protein forms M427T.
Identifiers: ClinVar variation 648910 (VCV000648910.9), dbSNP rs1596358489, ClinGen allele CA393762745.
Genomic context (GRCh38, chr15:89,327,320, plus strand): 5'-TCTGCCAGGTAACGCTCCCAGTTCTGGTTGACAGGCAGGTAGGAGACACCCATCTCCAGC[A>G]TGCCGGCCAGAGTCACTGGGTGGGGACACCTTGGAGGCAAACACCAGGAGCTGCCATAAA-3'
Protein context (NP_002684.1, residues 417-437): RCPHPVTLAG[Met427Thr]LEMGVSYLPV